The following is an entry in ClinVar:

NM_006440.5(TXNRD2):c.974T>C (p.Leu325Pro)

Gene: TXNRD2 (thioredoxin reductase 2; minus strand). Cytogenetic location: 22q11.21.
Variant type: single nucleotide variant.
Coding change: c.974T>C on transcript NM_006440.5 (MANE Select); coding-DNA position 974, T replaced by C.
Protein change: p.Leu325Pro; replaces leucine 325 with proline.
Molecular consequence: missense variant. On other transcripts: non-coding transcript variant (1).
Genome position (GRCh38, 1-based): chr22:19,883,437, A>G on the plus strand (T>C on the coding strand, the complement: TXNRD2 is on the minus strand). VCF-style: chr22-19883437-A-G. GRCh37 (hg19) VCF-style: chr22-19870960-A-G.
Other names: c.971T>C, p.Leu324Pro (NM_001352300.2); c.884T>C, p.Leu295Pro (NM_001352301.2); c.686T>C, p.Leu229Pro (NM_001352302.2); short protein forms L295P, L325P, L229P, L324P.
Identifiers: ClinVar variation 649939 (VCV000649939.9), dbSNP rs759476139, ClinGen allele CA10103875.

ClinVar aggregate classification (germline): Uncertain significance (1 of 4 stars; one submission).

Conditions:
Primary dilated cardiomyopathy (DCM). Also called: Dilated Cardiomyopathy. Identifiers: Orphanet 217604, MedGen C0007193, MeSH D002311, MONDO:0005021, HP:0001644. Inheritance: Various modes of inheritance.

Allele frequency attached by ClinVar (database versions not stated): ExAC 0.00001.

Submission:

Labcorp Genetics (formerly Invitae), Labcorp
Classification: Uncertain significance for Primary dilated cardiomyopathy. Last evaluated: 2024-10-01. Review status: criteria provided, single submitter. Criteria: Invitae Variant Classification Sherloc (09022015). Collection method: clinical testing. Allele origin: germline.
Comment: This sequence change replaces leucine, which is neutral and non-polar, with proline, which is neutral and non-polar, at codon 325 of the TXNRD2 protein (p.Leu325Pro). This variant is present in population databases (rs759476139, gnomAD 0.0009%). This variant has not been reported in the literature in individuals affected with TXNRD2-related conditions. ClinVar contains an entry for this variant (Variation ID: 649939). Invitae Evidence Modeling of protein sequence and biophysical properties (such as structural, functional, and spatial information, amino acid conservation, physicochemical variation, residue mobility, and thermodynamic stability) indicates that this missense variant is expected to disrupt TXNRD2 protein function with a positive predictive value of 80%. In summary, the available evidence is currently insufficient to determine the role of this variant in disease. Therefore, it has been classified as a Variant of Uncertain Significance.